The following is an entry in ClinVar:

NM_014633.5(CTR9):c.2260A>T (p.Met754Leu)

Gene: CTR9 (CTR9 component of Paf1/RNA polymerase II complex; plus strand). Cytogenetic location: 11p15.4.
Variant type: single nucleotide variant.
Coding change: c.2260A>T on transcript NM_014633.5 (MANE Select); coding-DNA position 2260, A replaced by T.
Protein change: p.Met754Leu; replaces methionine 754 with leucine.
Molecular consequence: missense variant.
Genome position (GRCh38, 1-based): chr11:10,770,520, A>T. VCF-style: chr11-10770520-A-T. GRCh37 (hg19) VCF-style: chr11-10792067-A-T.
Other names: c.2260A>T, p.Met754Leu (NM_001346279.2); short protein forms M754L.
Identifiers: ClinVar variation 2828634 (VCV002828634.3), dbSNP rs2539387083, ClinGen allele CA379675057.

ClinVar aggregate classification (germline): Uncertain significance (1 of 4 stars; one submission).

Allele frequency attached by ClinVar (database versions not stated): gnomAD exomes below 0.00001.
gnomAD v4.1: 2 of 1,613,940 alleles (0.00012%); highest among the groups gnomAD compares: Non-Finnish European, 0.00017%; no homozygotes.

Submission:

Labcorp Genetics (formerly Invitae), Labcorp
Classification: Uncertain significance. Last evaluated: 2023-01-14. Review status: criteria provided, single submitter. Criteria: Invitae Variant Classification Sherloc (09022015). Collection method: clinical testing. Allele origin: germline.
Comment: This sequence change replaces methionine, which is neutral and non-polar, with leucine, which is neutral and non-polar, at codon 754 of the CTR9 protein (p.Met754Leu). This variant is not present in population databases (gnomAD no frequency). This variant has not been reported in the literature in individuals affected with CTR9-related conditions. Algorithms developed to predict the effect of missense changes on protein structure and function (SIFT, PolyPhen-2, Align-GVGD) all suggest that this variant is likely to be tolerated. In summary, the available evidence is currently insufficient to determine the role of this variant in disease. Therefore, it has been classified as a Variant of Uncertain Significance.